The following is an entry in ClinVar:

ClinVar aggregate classification (germline): Uncertain significance (1 of 4 stars; one submission).

Allele frequency attached by ClinVar (database versions not stated): TOPMed below 0.00001; gnomAD 0.00001.
gnomAD v4.1: 14 of 1,614,012 alleles (0.00087%); highest among the groups gnomAD compares: East Asian, 0.016%; no homozygotes.

Submission:

Labcorp Genetics (formerly Invitae), Labcorp
Classification: Uncertain significance. Last evaluated: 2023-08-15. Review status: criteria provided, single submitter. Criteria: Invitae Variant Classification Sherloc (09022015). Collection method: clinical testing. Allele origin: germline.
Comment: In summary, the available evidence is currently insufficient to determine the role of this variant in disease. Therefore, it has been classified as a Variant of Uncertain Significance. Advanced modeling of protein sequence and biophysical properties (such as structural, functional, and spatial information, amino acid conservation, physicochemical variation, residue mobility, and thermodynamic stability) performed at Invitae indicates that this missense variant is not expected to disrupt TRRAP protein function. This variant has not been reported in the literature in individuals affected with TRRAP-related conditions. This variant is present in population databases (no rsID available, gnomAD 0.006%). This sequence change replaces aspartic acid, which is acidic and polar, with asparagine, which is neutral and polar, at codon 2966 of the TRRAP protein (p.Asp2966Asn).

NM_001375524.1(TRRAP):c.8971G>A (p.Asp2991Asn)

Gene: TRRAP (transformation/transcription domain associated protein; plus strand). Cytogenetic location: 7q22.1.
Variant type: single nucleotide variant.
Coding change: c.8971G>A on transcript NM_001375524.1 (MANE Select); coding-DNA position 8971, G replaced by A.
Protein change: p.Asp2991Asn; replaces aspartic acid 2991 with asparagine.
Molecular consequence: missense variant.
Genome position (GRCh38, 1-based): chr7:98,983,408, G>A. VCF-style: chr7-98983408-G-A. GRCh37 (hg19) VCF-style: chr7-98581031-G-A.
Other names: c.8896G>A, p.Asp2966Asn (NM_003496.4); c.8950G>A, p.Asp2984Asn (NM_001244580.2); short protein forms D2966N, D2984N, D2991N.
Identifiers: ClinVar variation 3011980 (VCV003011980.3), dbSNP rs1336161275, ClinGen allele CA368313992.
Genomic context (GRCh38, chr7:98,983,408, plus strand): 5'-CTGCACGACATGAAGACGGTGGTGAAGACCTGGAGGAACCGACTGCCCATCGTGTCTGAC[G>A]ACTTGTCCCACTGGAGCAGCATCTTCATGTGGAGGCAGCATCATTACCAGGGTAAACCGA-3'
Protein context (NP_001362453.1, residues 2981-3001): WRNRLPIVSD[Asp2991Asn]LSHWSSIFMW